The following is an entry in ClinVar:

ClinVar aggregate classification (germline): Uncertain significance (1 of 4 stars; one submission).

Conditions:
GM1 gangliosidosis. Identifiers: Orphanet 354, MedGen C0085131, MONDO:0018149.
Mucopolysaccharidosis, MPS-IV-B (MPS4B). Also called: MORQUIO SYNDROME B; Mucopolysaccharidosis Type IVB (Morquio B Disease); Mucopolysaccharidosis type 4B; Mucopolysaccharidosis type IVB (Morquio); MPS IVB; Mucopolysaccharidosis type IV B. Identifiers: Orphanet 309310, Orphanet 582, MedGen C0086652, MONDO:0009660, OMIM 253010.

Submission:

Labcorp Genetics (formerly Invitae), Labcorp
Classification: Uncertain significance for Mucopolysaccharidosis, MPS-IV-B; GM1 gangliosidosis. Last evaluated: 2024-01-22. Review status: criteria provided, single submitter. Criteria: Invitae Variant Classification Sherloc (09022015). Collection method: clinical testing. Allele origin: germline.
Comment: This sequence change replaces aspartic acid, which is acidic and polar, with glutamic acid, which is acidic and polar, at codon 342 of the GLB1 protein (p.Asp342Glu). This variant is not present in population databases (gnomAD no frequency). This variant has not been reported in the literature in individuals affected with GLB1-related conditions. ClinVar contains an entry for this variant (Variation ID: 1525326). Advanced modeling of protein sequence and biophysical properties (such as structural, functional, and spatial information, amino acid conservation, physicochemical variation, residue mobility, and thermodynamic stability) performed at Invitae indicates that this missense variant is expected to disrupt GLB1 protein function with a positive predictive value of 95%. In summary, the available evidence is currently insufficient to determine the role of this variant in disease. Therefore, it has been classified as a Variant of Uncertain Significance.

NM_000404.4(GLB1):c.1026C>A (p.Asp342Glu)

Gene: GLB1 (galactosidase beta 1; minus strand). Cytogenetic location: 3p22.3.
Variant type: single nucleotide variant.
Coding change: c.1026C>A on transcript NM_000404.4 (MANE Select); coding-DNA position 1026, C replaced by A.
Protein change: p.Asp342Glu; replaces aspartic acid 342 with glutamic acid.
Molecular consequence: missense variant.
Genome position (GRCh38, 1-based): chr3:33,046,162, G>T on the plus strand (C>A on the coding strand, the complement: GLB1 is on the minus strand). VCF-style: chr3-33046162-G-T. GRCh37 (hg19) VCF-style: chr3-33087654-G-T.
Other names: c.936C>A, p.Asp312Glu (NM_001079811.3); c.633C>A, p.Asp211Glu (NM_001135602.3); c.1170C>A, p.Asp390Glu (NM_001317040.2); c.1026C>A, p.Asp342Glu (NM_001393580.1); short protein forms D312E, D390E, D211E, D342E.
Identifiers: ClinVar variation 1525326 (VCV001525326.6), dbSNP rs2125514060, ClinGen allele CA351999311.